The following is an entry in ClinVar:

ClinVar aggregate classification (germline): Uncertain significance. Review status: criteria provided, multiple submitters, no conflicts (2 of 4 stars). 2 submissions from 2 submitters: Uncertain significance (2). Last evaluated 2026-10-01.

Conditions:
Rothmund-Thomson syndrome type 2 (RTS2). Identifiers: Orphanet 221016, MedGen C5203410, MONDO:0016369, OMIM 268400.
Inborn genetic diseases. Identifiers: MedGen C0950123, MeSH D030342.

gnomAD v4.1: 1 of 1,612,326 alleles (0.000062%); highest among the groups gnomAD compares: Admixed American, 0.0017%; no homozygotes.

Submissions (2):

St. Jude Molecular Pathology, St. Jude Children's Research Hospital
Classification: Uncertain significance for Rothmund-Thomson syndrome type 2. Last evaluated: 2026-10-01. Review status: criteria provided, single submitter. Criteria: St. Jude Assertion Criteria 2020. Collection method: clinical testing. Allele origin: germline.
Comment: The RECQL4 c.316G>A p.(Gly106Arg) missense change has a maximum subpopulation frequency of 0.003% in gnomAD v2.1.1. In silico tools are inconclusive about a pathogenic or benign effect of this variant on protein function, and to our knowledge functional studies have not been performed. To our knowledge, this variant has not been reported in individuals with RECQL4-associated conditions. In summary, the evidence currently available is insufficient to determine the clinical significance of this variant. It has therefore been classified as of uncertain significance.

Ambry Genetics
Classification: Uncertain significance for Inborn genetic diseases. Last evaluated: 2025-02-21. Review status: criteria provided, single submitter. Criteria: Ambry Variant Classification Scheme 2023. Collection method: clinical testing. Allele origin: germline.
Comment: The p.G106R variant (also known as c.316G>A), located in coding exon 4 of the RECQL4 gene, results from a G to A substitution at nucleotide position 316. The glycine at codon 106 is replaced by arginine, an amino acid with dissimilar properties. This amino acid position is conserved. In addition, the in silico prediction for this alteration is inconclusive. Based on the available evidence, the clinical significance of this variant remains unclear.

NM_004260.4(RECQL4):c.316G>A (p.Gly106Arg)

Gene: RECQL4 (RecQ like helicase 4; minus strand). Cytogenetic location: 8q24.3.
Variant type: single nucleotide variant.
Coding change: c.316G>A on transcript NM_004260.4 (MANE Select); coding-DNA position 316, G replaced by A.
Protein change: p.Gly106Arg; replaces glycine 106 with arginine.
Molecular consequence: missense variant. On other transcripts: 5 prime UTR variant (17), non-coding transcript variant (3).
Genome position (GRCh38, 1-based): chr8:144,517,088, C>T on the plus strand (G>A on the coding strand, the complement: RECQL4 is on the minus strand). VCF-style: chr8-144517088-C-T. GRCh37 (hg19) VCF-style: chr8-145742472-C-T.
Other names: c.316G>A, p.Gly106Arg (NM_001413033.1, NM_001413036.1, NM_001413039.1 and 5 more transcripts); c.-660G>A (NM_001413034.1); c.-653G>A (NM_001413035.1, NM_001413024.1); c.-756G>A (NM_001413037.1, NM_001413038.1, NM_001413040.1 and 3 more transcripts); c.-818G>A (NM_001413041.1, NM_001413027.1, NM_001413030.1 and 1 more transcripts); c.-1025G>A (NM_001413043.1); c.-405G>A (NM_001413021.1); c.187G>A, p.Gly63Arg (NM_001413025.1); and 2 more; short protein forms G106R, G63R.
Identifiers: ClinVar variation 3788052 (VCV003788052.2).